The following is an entry in ClinVar:

ClinVar aggregate classification (germline): Uncertain significance. Review status: criteria provided, multiple submitters, no conflicts (2 of 4 stars). 3 submissions from 3 submitters: Uncertain significance (3). Last evaluated 2025-11-19.

Conditions:
Emery-Dreifuss muscular dystrophy 5, autosomal dominant (EDMD5). Also called: EMERY-DREIFUSS MUSCULAR DYSTROPHY 5. Identifiers: Orphanet 261, MedGen C2751805, MONDO:0013072, OMIM 612999.

Allele frequency attached by ClinVar (database versions not stated): ExAC 0.00001; gnomAD 0.00004; gnomAD exomes 0.00004 and 0.00005; TOPMed 0.00005; ESP Exome Variant Server 0.00008.
gnomAD v4.1: 80 of 1,613,994 alleles (0.005%); highest among the groups gnomAD compares: East Asian, 0.011%; no homozygotes.

Submissions (3):

Labcorp Genetics (formerly Invitae), Labcorp
Classification: Uncertain significance for Emery-Dreifuss muscular dystrophy 5, autosomal dominant. Last evaluated: 2025-11-19. Review status: criteria provided, single submitter. Criteria: Invitae Variant Classification Sherloc (09022015). Collection method: clinical testing. Allele origin: germline.
Comment: This sequence change replaces glutamic acid, which is acidic and polar, with lysine, which is basic and polar, at codon 6385 of the SYNE2 protein (p.Glu6385Lys). This variant is present in population databases (rs374948516, gnomAD 0.02%). This variant has not been reported in the literature in individuals affected with SYNE2-related conditions. ClinVar contains an entry for this variant (Variation ID: 994811). An algorithm developed to predict the effect of missense changes on protein structure and function (PolyPhen-2) suggests that this variant is likely to be disruptive. In summary, the available evidence is currently insufficient to determine the role of this variant in disease. Therefore, it has been classified as a Variant of Uncertain Significance.

Ambry Genetics
Classification: Uncertain significance. Last evaluated: 2023-12-21. Review status: criteria provided, single submitter. Criteria: Ambry Variant Classification Scheme 2023. Collection method: clinical testing. Allele origin: germline.

Athena Diagnostics
Classification: Uncertain significance. Last evaluated: 2020-03-11. Review status: criteria provided, single submitter. Criteria: Athena Diagnostics Criteria. Collection method: clinical testing. Allele origin: unknown.

NM_182914.3(SYNE2):c.19153G>A (p.Glu6385Lys)

Gene: SYNE2 (spectrin repeat containing nuclear envelope protein 2; plus strand). Cytogenetic location: 14q23.2.
Variant type: single nucleotide variant.
Coding change: c.19153G>A on transcript NM_182914.3 (MANE Select); coding-DNA position 19153, G replaced by A.
Protein change: p.Glu6385Lys; replaces glutamic acid 6385 with lysine.
Molecular consequence: missense variant.
Genome position (GRCh38, 1-based): chr14:64,214,290, G>A. VCF-style: chr14-64214290-G-A. GRCh37 (hg19) VCF-style: chr14-64681008-G-A.
Other names: c.19153G>A, p.Glu6385Lys (NM_015180.6); c.55G>A, p.Glu19Lys (NM_182913.4); short protein forms E19K, E6385K.
Identifiers: ClinVar variation 994811 (VCV000994811.7), dbSNP rs374948516, ClinGen allele CA7224334.